The following is an entry in ClinVar:

NM_000489.6(ATRX):c.6699+5A>G

Gene: ATRX (ATRX chromatin remodeler; minus strand). Cytogenetic location: Xq21.1.
Variant type: single nucleotide variant.
Coding change: c.6699+5A>G on transcript NM_000489.6 (MANE Select); 5 bases into the intron after coding-DNA position 6699, A replaced by G.
Molecular consequence: intron variant.
Genome position (GRCh38, 1-based): chrX:77,557,446, T>C on the plus strand (A>G on the coding strand, the complement: ATRX is on the minus strand). VCF-style: chrX-77557446-T-C. GRCh37 (hg19) VCF-style: chrX-76812917-T-C.
Other names: c.6585+5A>G (NM_138270.5).
Identifiers: ClinVar variation 4537280 (VCV004537280.2).
Genomic context (GRCh38, chrX:77,557,446, plus strand): 5'-ATATCAGTAGTAAAATTTCCTTAGTCCACGTTGGTTTGTTAAGCCAATAATCTAAATATG[T>C]TTACCTTTGGCAGCATGGGAGTATCCCTCTTCTTCTTCTTTTCTGAATTAGGGTCATCTA-3'

ClinVar aggregate classification (germline): Uncertain significance. Review status: criteria provided, multiple submitters, no conflicts (2 of 4 stars). 2 submissions from 2 submitters: Uncertain significance (2). Last evaluated 2025-11-20.

Conditions:
Alpha thalassemia-X-linked intellectual disability syndrome (ATRX). Also called: ALPHA-THALASSEMIA/MENTAL RETARDATION SYNDROME, X-LINKED; ATR, NONDELETION TYPE; ATR-X syndrome; Alpha thalassemia mental retardation syndrome, nondeletion type, X-linked; XLMR hypotonic face syndrome; X-linked alpha-thalassemia-mental retardation syndrome. Identifiers: Orphanet 847, MedGen C1845055, MONDO:0010519, OMIM 301040.

Submissions (2):

Women's Health and Genetics/Laboratory Corporation of America, LabCorp
Classification: Uncertain significance. Last evaluated: 2025-11-20. Review status: criteria provided, single submitter. Criteria: LabCorp Variant Classification Summary - May 2015. Collection method: clinical testing. Allele origin: germline.
Comment: Variant summary: ATRX c.6699+5A>G alters a conserved nucleotide located close to a canonical splice site and therefore could affect mRNA splicing, leading to a significantly altered protein sequence. Consensus agreement among computation tools predict no significant impact on normal splicing. However, these predictions have yet to be confirmed by functional studies. The variant was absent in 182528 control chromosomes. The available data on variant occurrences in the general population are insufficient to allow any conclusion about variant significance. To our knowledge, no occurrence of c.6699+5A>G in individuals affected with ATRX-related conditions and no experimental evidence demonstrating its impact on protein function have been reported. No submitters have cited clinical-significance assessments for this variant to ClinVar. Based on the evidence outlined above, the variant was classified as uncertain significance.

Labcorp Genetics (formerly Invitae), Labcorp
Classification: Uncertain significance for Alpha thalassemia-X-linked intellectual disability syndrome. Last evaluated: 2025-08-22. Review status: criteria provided, single submitter. Criteria: Invitae Variant Classification Sherloc (09022015). Collection method: clinical testing. Allele origin: germline.
Comment: This sequence change falls in intron 30 of the ATRX gene. It does not directly change the encoded amino acid sequence of the ATRX protein. It affects a nucleotide within the consensus splice site. This variant is not present in population databases (gnomAD no frequency). This variant has not been reported in the literature in individuals affected with ATRX-related conditions. Variants that disrupt the consensus splice site are a relatively common cause of aberrant splicing (PMID: 17576681, 9536098). Algorithms developed to predict the effect of sequence changes on RNA splicing suggest that this variant is not likely to affect RNA splicing. In summary, the available evidence is currently insufficient to determine the role of this variant in disease. Therefore, it has been classified as a Variant of Uncertain Significance.

Literature cited by the submitters: PubMed 17576681 (cited by Labcorp Genetics (formerly Invitae), Labcorp); PubMed 9536098 (cited by Labcorp Genetics (formerly Invitae), Labcorp).